The following is an entry in ClinVar:

NM_020066.5(FMN2):c.3264T>A (p.Pro1088=)

Gene: FMN2 (formin 2; plus strand). Cytogenetic location: 1q43.
Variant type: single nucleotide variant.
Coding change: c.3264T>A on transcript NM_020066.5 (MANE Select); coding-DNA position 3264, T replaced by A.
Protein change: p.Pro1088=; no amino-acid change (proline 1088 retained).
Molecular consequence: synonymous variant. On other transcripts: intron variant (1).
Genome position (GRCh38, 1-based): chr1:240,208,076, T>A. VCF-style: chr1-240208076-T-A. GRCh37 (hg19) VCF-style: chr1-240371376-T-A.
Other names: c.3276T>A, p.Pro1092= (NM_001305424.2); c.1986+19814T>A (NM_001348094.2).
Identifiers: ClinVar variation 1675412 (VCV001675412.33), dbSNP rs548950268, ClinGen allele CA1477062.
Genomic context (GRCh38, chr1:240,208,076, plus strand): 5'-TCTACCCGGAGCGGGCATACCCCCTCCGCCCCCACTTCCCGGAGCGGGCATACCCCCACC[T>A]CCCCCTCTACCCGGAGCGGGCATACCCCCTCCGCCCCCTCTACCCGGAGTGGGCATACCT-3'
Protein context (NP_064450.3, residues 1078-1098): PPLPGAGIPP[Pro1088=]PPLPGAGIPP

ClinVar aggregate classification (germline): Likely benign (1 of 4 stars; one submission).

Allele frequency attached by ClinVar (database versions not stated): gnomAD exomes 0.00008.

Submission:

CeGaT Center for Human Genetics Tuebingen
Classification: Likely benign. Last evaluated: 2022-10-01. Review status: criteria provided, single submitter. Criteria: CeGaT Center For Human Genetics Tuebingen Variant Classification Criteria Version 2. Collection method: clinical testing. Allele origin: germline. Affected: yes. Observed: 2 variant alleles.
Comment: FMN2: BP4, BP7